The following is an entry in ClinVar:

ClinVar aggregate classification (germline): Uncertain significance (1 of 4 stars; one submission).

Submission:

Labcorp Genetics (formerly Invitae), Labcorp
Classification: Uncertain significance. Last evaluated: 2025-02-24. Review status: criteria provided, single submitter. Criteria: Invitae Variant Classification Sherloc (09022015). Collection method: clinical testing. Allele origin: germline.
Comment: This sequence change replaces threonine, which is neutral and polar, with alanine, which is neutral and non-polar, at codon 222 of the ARHGEF18 protein (p.Thr222Ala). This variant is not present in population databases (gnomAD no frequency). This variant has not been reported in the literature in individuals affected with ARHGEF18-related conditions. ClinVar contains an entry for this variant (Variation ID: 2134163). An algorithm developed to predict the effect of missense changes on protein structure and function outputs the following: PolyPhen-2: "Benign". The alanine amino acid residue is found in multiple mammalian species, which suggests that this missense change does not adversely affect protein function. In summary, the available evidence is currently insufficient to determine the role of this variant in disease. Therefore, it has been classified as a Variant of Uncertain Significance.

NM_001367823.1(ARHGEF18):c.1228A>G (p.Thr410Ala)

Gene: ARHGEF18 (Rho/Rac guanine nucleotide exchange factor 18; plus strand). Cytogenetic location: 19p13.2.
Variant type: single nucleotide variant.
Coding change: c.1228A>G on transcript NM_001367823.1 (MANE Select); coding-DNA position 1228, A replaced by G.
Protein change: p.Thr410Ala; replaces threonine 410 with alanine.
Molecular consequence: missense variant.
Genome position (GRCh38, 1-based): chr19:7,441,920, A>G. VCF-style: chr19-7441920-A-G. GRCh37 (hg19) VCF-style: chr19-7506806-A-G.
Other names: c.502A>G, p.Thr168Ala (NM_001130955.2); c.190A>G, p.Thr64Ala (NM_001367824.1, NM_015318.4); short protein forms T168A, T410A, T64A.
Identifiers: ClinVar variation 2134163 (VCV002134163.4), dbSNP rs1600455365, ClinGen allele CA403099802.